The following is an entry in ClinVar:

ClinVar aggregate classification (germline): Uncertain significance. Review status: criteria provided, multiple submitters, no conflicts (2 of 4 stars). 5 submissions from 5 submitters: Uncertain significance (4). 1 of the submissions does not count toward it. Last evaluated 2025-05-18.

Conditions:
Short-rib thoracic dysplasia 6 with or without polydactyly (SRTD6). Also called: SHORT-RIB THORACIC DYSPLASIA 6 WITH POLYDACTYLY; POLYDACTYLY WITH NEONATAL CHONDRODYSTROPHY, TYPE II; Majewski Syndrome; SHORT RIB-POLYDACTYLY SYNDROME, TYPE IIA; SHORT-RIB THORACIC DYSPLASIA 6 WITHOUT POLYDACTYLY. Identifiers: MedGen C0024507, MONDO:0009894, OMIM 263520.
Inborn genetic diseases. Identifiers: MedGen C0950123, MeSH D030342.
NEK1-related disorder. Also called: NEK1-related condition.

Allele frequency attached by ClinVar (database versions not stated): gnomAD 0.00008; 1000 Genomes Project 30x 0.00031; 1000 Genomes Project 0.00040; ExAC 0.00073.
gnomAD v4.1: 167 of 1,521,422 alleles (0.011%); highest among the groups gnomAD compares: South Asian, 0.2%; 1 homozygote.

Submissions (5):

Ambry Genetics
Classification: Uncertain significance for Inborn genetic diseases. Last evaluated: 2025-05-18. Review status: criteria provided, single submitter. Criteria: Ambry Variant Classification Scheme 2023. Collection method: clinical testing. Allele origin: germline.

Labcorp Genetics (formerly Invitae), Labcorp
Classification: Uncertain significance for Short-rib thoracic dysplasia 6 with or without polydactyly. Last evaluated: 2025-01-27. Review status: criteria provided, single submitter. Criteria: Invitae Variant Classification Sherloc (09022015). Collection method: clinical testing. Allele origin: germline.
Comment: This sequence change replaces aspartic acid, which is acidic and polar, with tyrosine, which is neutral and polar, at codon 1215 of the NEK1 protein (p.Asp1215Tyr). This variant is present in population databases (rs542986015, gnomAD 0.2%). This variant has not been reported in the literature in individuals affected with NEK1-related conditions. ClinVar contains an entry for this variant (Variation ID: 1810594). Invitae Evidence Modeling of protein sequence and biophysical properties (such as structural, functional, and spatial information, amino acid conservation, physicochemical variation, residue mobility, and thermodynamic stability) indicates that this missense variant is expected to disrupt NEK1 protein function with a positive predictive value of 80%. In summary, the available evidence is currently insufficient to determine the role of this variant in disease. Therefore, it has been classified as a Variant of Uncertain Significance.

Blueprint Genetics
Classification: Uncertain significance. Last evaluated: 2024-09-02. Review status: criteria provided, single submitter. Criteria: ACMG Guidelines, 2015. Collection method: clinical testing. Allele origin: germline.

GeneDx
Classification: Uncertain significance. Last evaluated: 2022-09-15. Review status: criteria provided, single submitter. Criteria: GeneDx Variant Classification Process June 2021. Collection method: clinical testing. Allele origin: germline. Affected: yes.
Comment: In silico analysis supports that this missense variant has a deleterious effect on protein structure/function; Has not been previously published as pathogenic or benign to our knowledge

PreventionGenetics, part of Exact Sciences
Classification: Likely benign for NEK1-related condition. Last evaluated: 2023-11-16. Review status: no assertion criteria provided. Collection method: clinical testing. Allele origin: germline. Not counted in ClinVar's aggregate classification.
Comment: This variant is classified as likely benign based on ACMG/AMP sequence variant interpretation guidelines (Richards et al. 2015 PMID: 25741868, with internal and published modifications).

NM_001199397.3(NEK1):c.3727G>T (p.Asp1243Tyr)

Gene: NEK1 (NIMA related kinase 1; minus strand). Cytogenetic location: 4q33.
Variant type: single nucleotide variant.
Coding change: c.3727G>T on transcript NM_001199397.3 (MANE Select); coding-DNA position 3727, G replaced by T.
Protein change: p.Asp1243Tyr; replaces aspartic acid 1243 with tyrosine.
Molecular consequence: missense variant. On other transcripts: non-coding transcript variant (1).
Genome position (GRCh38, 1-based): chr4:169,400,345, C>A on the plus strand (G>T on the coding strand, the complement: NEK1 is on the minus strand). VCF-style: chr4-169400345-C-A. GRCh37 (hg19) VCF-style: chr4-170321496-C-A.
Other names: c.3595G>T, p.Asp1199Tyr (NM_001199398.3); c.3436G>T, p.Asp1146Tyr (NM_001199399.3); c.3511G>T, p.Asp1171Tyr (NM_001199400.3); c.3727G>T, p.Asp1243Tyr (NM_001374418.1); c.3643G>T, p.Asp1215Tyr (NM_001374419.1, NM_012224.4); c.3592G>T, p.Asp1198Tyr (NM_001374420.1); c.3244G>T, p.Asp1082Tyr (NM_001374421.1); short protein forms D1171Y, D1198Y, D1199Y, D1243Y, D1146Y, D1082Y, D1215Y.
Identifiers: ClinVar variation 1810594 (VCV001810594.8), dbSNP rs542986015, ClinGen allele CA3137092.